The following is an entry in ClinVar:

ClinVar aggregate classification (germline): Uncertain significance (1 of 4 stars; one submission).

Conditions:
Myofibrillar myopathy 4. Also called: Zaspopathy (type). Identifiers: Orphanet 98912, MedGen C4721886, MONDO:0012277, OMIM 609452.

Allele frequency attached by ClinVar (database versions not stated): ExAC 0.00001; gnomAD 0.00001 and 0.00002; gnomAD exomes 0.00001; TOPMed 0.00002.
gnomAD v4.1: 11 of 1,612,972 alleles (0.00068%); highest among the groups gnomAD compares: Middle Eastern, 0.017%; 1 homozygote.

Submission:

Labcorp Genetics (formerly Invitae), Labcorp
Classification: Uncertain significance for Myofibrillar myopathy 4. Last evaluated: 2023-01-19. Review status: criteria provided, single submitter. Criteria: Invitae Variant Classification Sherloc (09022015). Collection method: clinical testing. Allele origin: germline.
Comment: In summary, the available evidence is currently insufficient to determine the role of this variant in disease. Therefore, it has been classified as a Variant of Uncertain Significance. Experimental studies and prediction algorithms are not available or were not evaluated, and the functional significance of this variant is currently unknown. This variant has not been reported in the literature in individuals affected with LDB3-related conditions. This variant is present in population databases (rs752615115, gnomAD 0.008%). This sequence change replaces serine, which is neutral and polar, with glycine, which is neutral and non-polar, at codon 383 of the LDB3 protein (p.Ser383Gly). The LDB3 gene has multiple clinically relevant transcripts. This variant occurs in alternate transcript NM_007078.2, and corresponds to NM_001080116.1:c.*10592A>G in the primary transcript.

NM_007078.3(LDB3):c.1147A>G (p.Ser383Gly)

Gene: LDB3 (LIM domain binding 3; plus strand). Cytogenetic location: 10q23.2.
Variant type: single nucleotide variant.
Coding change: c.1147A>G on transcript NM_007078.3 (MANE Select); coding-DNA position 1147, A replaced by G.
Protein change: p.Ser383Gly; replaces serine 383 with glycine.
Molecular consequence: missense variant.
Genome position (GRCh38, 1-based): chr10:86,709,966, A>G. VCF-style: chr10-86709966-A-G. GRCh37 (hg19) VCF-style: chr10-88469723-A-G.
Other names: c.817A>G, p.Ser273Gly (NM_001080114.2); c.1162A>G, p.Ser388Gly (NM_001171610.2); c.958A>G, p.Ser320Gly (NM_001368064.1, NM_001368065.1); c.1006A>G, p.Ser336Gly (NM_001368066.1); short protein forms S336G, S320G, S388G, S383G, S273G.
Identifiers: ClinVar variation 970025 (VCV000970025.8), dbSNP rs752615115, ClinGen allele CA5585064.